The following is an entry in ClinVar:

NM_058216.3(RAD51C):c.905-1G>T

Gene: RAD51C (RAD51 paralog C; plus strand). Cytogenetic location: 17q22.
Variant type: single nucleotide variant.
Coding change: c.905-1G>T on transcript NM_058216.3 (MANE Select); the canonical splice acceptor site of the intron before coding-DNA position 905, G replaced by T.
Molecular consequence: splice acceptor variant.
Genome position (GRCh38, 1-based): chr17:58,724,039, G>T. VCF-style: chr17-58724039-G-T. GRCh37 (hg19) VCF-style: chr17-56801400-G-T.
Identifiers: ClinVar variation 5027800 (VCV005027800.1).
Genomic context (GRCh38, chr17:58,724,039, plus strand): 5'-CTGAGAAATGTATAACCAAGTCAGTAAGGCCATATACAGTTATTATGTTTTTTACTCTCA[G>T]GGGAAAGTTGGGGACATGCTGCTACAATACGGCTAATCTTTCATTGGGACCGAAAGCAAA-3'

ClinVar aggregate classification (germline): Pathogenic (1 of 4 stars; one submission).

Conditions:
Hereditary cancer-predisposing syndrome. Also called: Neoplastic Syndromes, Hereditary; Tumor predisposition; Hereditary neoplastic syndrome; Hereditary Cancer Syndrome. Identifiers: Orphanet 140162, MedGen C0027672, MeSH D009386, MONDO:0015356.

Submission:

Ambry Genetics
Classification: Pathogenic for Hereditary cancer-predisposing syndrome. Last evaluated: 2026-06-25. Review status: criteria provided, single submitter. Criteria: Ambry Variant Classification Scheme 2023. Collection method: clinical testing. Allele origin: germline.
Comment: The c.905-1G>T intronic pathogenic mutation results from a G to T substitution one nucleotide upstream from coding exon 7 of the RAD51C gene. This variant is considered to be rare based on population cohorts in the Genome Aggregation Database (gnomAD). This nucleotide position is highly conserved in available vertebrate species. In silico splice site analysis predicts that this alteration will weaken the native splice acceptor site; however, direct evidence is insufficient at this time (Ambry internal data). In a homology-directed DNA repair (HDR) assay, this alteration showed a functionally abnormal read-out (Olvera-Le&oacute;n R et al. Cell, 2024 Oct;187:5719-5734.e19). Alterations that disrupt the canonical splice site are expected to cause aberrant splicing, resulting in an abnormal protein or a transcript that is subject to nonsense-mediated mRNA decay. Based on the supporting evidence, this variant is interpreted as a disease-causing mutation.

Literature cited by the submitters: PubMed 39299233.